The following is an entry in ClinVar:

ClinVar aggregate classification (germline): Uncertain significance (0 of 4 stars; one submission).

Conditions:
PCNT-related disorder. Also called: PCNT-related condition.

gnomAD v4.1: 1 of 1,596,752 alleles (0.000063%); highest among the groups gnomAD compares: African/African-American, 0.0013%; no homozygotes.

Submission:

PreventionGenetics, part of Exact Sciences
Classification: Uncertain significance for PCNT-related condition. Last evaluated: 2024-05-23. Review status: no assertion criteria provided. Collection method: clinical testing. Allele origin: germline.
Comment: The PCNT c.946G>A variant is predicted to result in the amino acid substitution p.Glu316Lys. To our knowledge, this variant has not been reported in the literature or in gnomAD, indicating this variant is rare. At this time, the clinical significance of this variant is uncertain due to the absence of conclusive functional and genetic evidence.

NM_006031.6(PCNT):c.946G>A (p.Glu316Lys)

Gene: PCNT (pericentrin; plus strand). Cytogenetic location: 21q22.3.
Variant type: single nucleotide variant.
Coding change: c.946G>A on transcript NM_006031.6 (MANE Select); coding-DNA position 946, G replaced by A.
Protein change: p.Glu316Lys; replaces glutamic acid 316 with lysine.
Molecular consequence: missense variant.
Genome position (GRCh38, 1-based): chr21:46,346,968, G>A. VCF-style: chr21-46346968-G-A. GRCh37 (hg19) VCF-style: chr21-47766882-G-A.
Other names: c.592G>A, p.Glu198Lys (NM_001315529.2); short protein forms E198K, E316K.
Identifiers: ClinVar variation 3351453 (VCV003351453.1).